The following is an entry in ClinVar:

NM_000188.3(HK1):c.1084G>C (p.Glu362Gln)

Gene: HK1 (hexokinase 1; plus strand). Cytogenetic location: 10q22.1.
Variant type: single nucleotide variant.
Coding change: c.1084G>C on transcript NM_000188.3 (MANE Select); coding-DNA position 1084, G replaced by C.
Protein change: p.Glu362Gln; replaces glutamic acid 362 with glutamine.
Molecular consequence: missense variant.
Genome position (GRCh38, 1-based): chr10:69,379,914, G>C. VCF-style: chr10-69379914-G-C. GRCh37 (hg19) VCF-style: chr10-71139670-G-C.
Other names: c.1096G>C, p.Glu366Gln (NM_001322364.2, NM_001358263.1, NM_033497.3 and 1 more transcripts); c.1189G>C, p.Glu397Gln (NM_001322365.2); c.1000G>C, p.Glu334Gln (NM_001322366.1); c.988G>C, p.Glu330Gln (NM_001322367.1); c.1081G>C, p.Glu361Gln (NM_033496.3); c.1048G>C, p.Glu350Gln (NM_033500.2); short protein forms E330Q, E361Q, E362Q, E366Q, E334Q, E350Q, E397Q.
Identifiers: ClinVar variation 1486786 (VCV001486786.8), dbSNP rs1309861064, ClinGen allele CA376917291.
Genomic context (GRCh38, chr10:69,379,914, plus strand): 5'-CTTCACAGGAATAAGGAAGGCCTCCACAATGCCAAAGAAATCCTGACCCGCCTGGGAGTG[G>C]AGCCGTCCGATGATGACTGTGTCTCAGTCCAGCACGTTTGCACCATTGTCTCATTTCGCT-3'
Protein context (NP_000179.2, residues 352-372): AKEILTRLGV[Glu362Gln]PSDDDCVSVQ

ClinVar aggregate classification (germline): Uncertain significance (1 of 4 stars; one submission).

Allele frequency attached by ClinVar (database versions not stated): gnomAD exomes below 0.00001 and 0.00001.
gnomAD v4.1: 5 of 1,614,208 alleles (0.00031%); highest among the groups gnomAD compares: African/African-American, 0.0013%; no homozygotes.

Submission:

Labcorp Genetics (formerly Invitae), Labcorp
Classification: Uncertain significance. Last evaluated: 2024-10-06. Review status: criteria provided, single submitter. Criteria: Invitae Variant Classification Sherloc (09022015). Collection method: clinical testing. Allele origin: germline.
Comment: This sequence change replaces glutamic acid, which is acidic and polar, with glutamine, which is neutral and polar, at codon 362 of the HK1 protein (p.Glu362Gln). This variant is present in population databases (no rsID available, gnomAD 0.002%). This variant has not been reported in the literature in individuals affected with HK1-related conditions. ClinVar contains an entry for this variant (Variation ID: 1486786). Invitae Evidence Modeling of protein sequence and biophysical properties (such as structural, functional, and spatial information, amino acid conservation, physicochemical variation, residue mobility, and thermodynamic stability) indicates that this missense variant is not expected to disrupt HK1 protein function with a negative predictive value of 80%. In summary, the available evidence is currently insufficient to determine the role of this variant in disease. Therefore, it has been classified as a Variant of Uncertain Significance.